The following is an entry in ClinVar:

NM_005732.4(RAD50):c.1303A>G (p.Lys435Glu)

Gene: RAD50 (RAD50 double strand break repair protein; plus strand). Cytogenetic location: 5q31.1.
Variant type: single nucleotide variant.
Coding change: c.1303A>G on transcript NM_005732.4 (MANE Select); coding-DNA position 1303, A replaced by G.
Protein change: p.Lys435Glu; replaces lysine 435 with glutamic acid.
Molecular consequence: missense variant.
Genome position (GRCh38, 1-based): chr5:132,589,688, A>G. VCF-style: chr5-132589688-A-G. GRCh37 (hg19) VCF-style: chr5-131925380-A-G.
Other names: short protein forms K435E.
Identifiers: ClinVar variation 1501887 (VCV001501887.6), dbSNP rs2149841475, ClinGen allele CA360943734.
Genomic context (GRCh38, chr5:132,589,688, plus strand): 5'-TAGAATGACTTTGCAGAAAAAGAGACTCTGAAACAAAAACAGATAGATGAGATAAGAGAT[A>G]AGAAAACTGGACTGGGAAGAATAATTGAGTTAAAATCAGAAATCCTAAGTAAGAAGCAGA-3'
Protein context (NP_005723.2, residues 425-445): KQKQIDEIRD[Lys435Glu]KTGLGRIIEL

ClinVar aggregate classification (germline): Uncertain significance (1 of 4 stars; one submission).

Conditions:
Hereditary cancer-predisposing syndrome. Also called: Hereditary neoplastic syndrome; Tumor predisposition; Neoplastic Syndromes, Hereditary; Hereditary Cancer Syndrome. Identifiers: Orphanet 140162, MedGen C0027672, MeSH D009386, MONDO:0015356.

Submission:

Labcorp Genetics (formerly Invitae), Labcorp
Classification: Uncertain significance for Hereditary cancer-predisposing syndrome. Last evaluated: 2021-11-05. Review status: criteria provided, single submitter. Criteria: Invitae Variant Classification Sherloc (09022015). Collection method: clinical testing. Allele origin: germline.
Comment: In summary, the available evidence is currently insufficient to determine the role of this variant in disease. Therefore, it has been classified as a Variant of Uncertain Significance. Algorithms developed to predict the effect of missense changes on protein structure and function (SIFT, PolyPhen-2, Align-GVGD) all suggest that this variant is likely to be tolerated. This variant has not been reported in the literature in individuals affected with RAD50-related conditions. This variant is not present in population databases (gnomAD no frequency). This sequence change replaces lysine, which is basic and polar, with glutamic acid, which is acidic and polar, at codon 435 of the RAD50 protein (p.Lys435Glu).